The following is an entry in ClinVar:

NM_004064.5(CDKN1B):c.13C>T (p.Arg5Ter)

Gene: CDKN1B (cyclin dependent kinase inhibitor 1B; plus strand). Cytogenetic location: 12p13.1.
Variant type: single nucleotide variant.
Coding change: c.13C>T on transcript NM_004064.5 (MANE Select); coding-DNA position 13, C replaced by T.
Protein change: p.Arg5Ter; replaces arginine 5 with a stop codon.
Molecular consequence: nonsense.
Genome position (GRCh38, 1-based): chr12:12,717,852, C>T. VCF-style: chr12-12717852-C-T. GRCh37 (hg19) VCF-style: chr12-12870786-C-T.
Other names: c.13C>T (NM_004064.3); short protein forms R5*.
Identifiers: ClinVar variation 633662 (VCV000633662.7), dbSNP rs1349668409, ClinGen allele CA383967913.

ClinVar aggregate classification (germline): Pathogenic/Likely pathogenic. Review status: criteria provided, multiple submitters, no conflicts (2 of 4 stars). 3 submissions from 3 submitters: Pathogenic (1); Likely pathogenic (1). 1 of the submissions does not count toward it. Last evaluated 2025-01-15.

Conditions:
Hereditary cancer-predisposing syndrome. Also called: Hereditary Cancer Syndrome; Neoplastic Syndromes, Hereditary; Tumor predisposition; Hereditary neoplastic syndrome. Identifiers: Orphanet 140162, MedGen C0027672, MeSH D009386, MONDO:0015356.
Multiple endocrine neoplasia type 4. Also called: MULTIPLE ENDOCRINE NEOPLASIA, TYPE IV. Identifiers: Orphanet 276152, MedGen C1970712, MONDO:0012552, OMIM 610755.

Allele frequency attached by ClinVar (database versions not stated): gnomAD exomes 0.00001.

Submissions (3):

Ambry Genetics
Classification: Likely pathogenic for Hereditary cancer-predisposing syndrome. Last evaluated: 2025-01-15. Review status: criteria provided, single submitter. Criteria: Ambry Variant Classification Scheme 2023. Collection method: clinical testing. Allele origin: germline.
Comment: The p.R5* variant (also known as c.13C>T), located in coding exon 1 of the CDKN1B gene, results from a C to T substitution at nucleotide position 13. This changes the amino acid from an arginine to a stop codon within coding exon 1. The predicted stop codon occurs in the 5&rsquo; end of theCDKN1B gene. Premature termination codons in the 5&rsquo; end of a gene have been reported to escape nonsense-mediated mRNAdecay and/or lead to re-initiation (Rivas et al. Science. 2015 May 8;348(6235):666-9; Lindeboom et al. Nat Genet. 2016 Oct;48(10):1112-8; Rhee et al. Sci Rep. 2017 May 10;7(1):1653). Direct evidence for this alteration is unavailable, however premature termination codons are typically deleterious in nature. This variant is considered to be rare based on population cohorts in the Genome Aggregation Database (gnomAD). Based on the majority of available evidence to date, this variant is likely to be pathogenic.

Labcorp Genetics (formerly Invitae), Labcorp
Classification: Pathogenic for Multiple endocrine neoplasia type 4. Last evaluated: 2021-10-21. Review status: criteria provided, single submitter. Criteria: Invitae Variant Classification Sherloc (09022015). Collection method: clinical testing. Allele origin: germline.
Comment: This sequence change creates a premature translational stop signal (p.Arg5*) in the CDKN1B gene. It is expected to result in an absent or disrupted protein product. Loss-of-function variants in CDKN1B are known to be pathogenic (PMID: 17030811, 24819502). This variant is not present in population databases (ExAC no frequency). This variant has not been reported in the literature in individuals affected with CDKN1B-related conditions. ClinVar contains an entry for this variant (Variation ID: 633662). Algorithms developed to predict the effect of sequence changes on RNA splicing suggest that this variant may create or strengthen a splice site. For these reasons, this variant has been classified as Pathogenic.

Gharavi Laboratory, Columbia University
Classification: Uncertain significance. Last evaluated: 2018-09-16. Review status: no assertion criteria provided. Criteria: ACMG Guidelines, 2015. Collection method: research. Allele origin: germline. Affected: no. Not counted in ClinVar's aggregate classification.

Literature cited by the submitters: PubMed 17030811 (cited by Labcorp Genetics (formerly Invitae), Labcorp); PubMed 24819502 (cited by Labcorp Genetics (formerly Invitae), Labcorp).